The following is an entry in ClinVar:

ClinVar aggregate classification (germline): Uncertain significance (1 of 4 stars; one submission).

Conditions:
Developmental and epileptic encephalopathy, 69. Also called: EPILEPTIC ENCEPHALOPATHY, EARLY INFANTILE, 69. Identifiers: MedGen C4748988, MONDO:0032657, OMIM 618285.

Allele frequency attached by ClinVar (database versions not stated): gnomAD exomes below 0.00001.
gnomAD v4.1: 1 of 1,607,464 alleles (0.000062%); highest among the groups gnomAD compares: South Asian, 0.0011%; no homozygotes.

Submission:

Neuberg Centre For Genomic Medicine, NCGM
Classification: Uncertain significance for Developmental and epileptic encephalopathy, 69. Review status: criteria provided, single submitter. Criteria: ACMG Guidelines, 2015. Collection method: clinical testing. Allele origin: germline. Inheritance: Autosomal dominant inheritance. Affected: yes.
Comment: The observed missense variant c.3190A>G (p.Thr1064Ala) in CACNA1E gene has not been reported previously as a pathogenic variant nor as a benign variant, to our knowledge. The p.Thr1064Ala variant is absent in gnomAD Exomes. This variant has not been submitted to the ClinVar database. The amino acid Thr at position 1064 is changed to a Ala changing protein sequence and it might alter its composition and physico-chemical properties. Multiple lines of computational evidence (Polyphen - Benign, SIFT - Tolerated and MutationTaster - Polymorphism) predict no damaging effect on protein structure and function for this variant. For these reasons, this variant has been classified as Variant of Uncertain Significance (VUS).

NM_001205293.3(CACNA1E):c.3190A>G (p.Thr1064Ala)

Gene: CACNA1E (calcium voltage-gated channel subunit alpha1 E; plus strand). Cytogenetic location: 1q25.3.
Variant type: single nucleotide variant.
Coding change: c.3190A>G on transcript NM_001205293.3 (MANE Select); coding-DNA position 3190, A replaced by G.
Protein change: p.Thr1064Ala; replaces threonine 1064 with alanine.
Molecular consequence: missense variant.
Genome position (GRCh38, 1-based): chr1:181,733,678, A>G. VCF-style: chr1-181733678-A-G. GRCh37 (hg19) VCF-style: chr1-181702814-A-G.
Other names: c.3190A>G, p.Thr1064Ala (NM_000721.4); c.3133A>G, p.Thr1045Ala (NM_001205294.2); short protein forms T1045A, T1064A.
Identifiers: ClinVar variation 3250435 (VCV003250435.1), dbSNP rs2528714861.
Genomic context (GRCh38, chr1:181,733,678, plus strand): 5'-CGGGTCATCAGCCAGAGCGAGCCTGACCTCTCCTGCATCACGGCCAACACGGACAAGGCC[A>G]CCACCGAGAGCACCAGCGTCACCGTCGCCATCCCCGACGTGGACCCCTTGGTGGACTCAA-3'
Protein context (NP_001192222.1, residues 1054-1074): SCITANTDKA[Thr1064Ala]TESTSVTVAI